The following is an entry in ClinVar:

ClinVar aggregate classification (germline): Uncertain significance. Review status: criteria provided, multiple submitters, no conflicts (2 of 4 stars). 3 submissions from 3 submitters: Uncertain significance (3). Last evaluated 2025-01-27.

Conditions:
Mendelian susceptibility to mycobacterial diseases due to complete IL12RB1 deficiency. Also called: Immunodeficiency 30; IL12RB1 DEFICIENCY. Identifiers: Orphanet 319552, MedGen C4013949, MONDO:0013955, OMIM 614891.
Inborn genetic diseases. Identifiers: MedGen C0950123, MeSH D030342.

Allele frequency attached by ClinVar (database versions not stated): gnomAD 0.00001; TOPMed 0.00001.
gnomAD v4.1: 3 of 1,614,000 alleles (0.00019%); highest among the groups gnomAD compares: Admixed American, 0.0017%; no homozygotes.

Submissions (3):

Ambry Genetics
Classification: Uncertain significance for Inborn genetic diseases. Last evaluated: 2025-01-27. Review status: criteria provided, single submitter. Criteria: Ambry Variant Classification Scheme 2023. Collection method: clinical testing. Allele origin: germline.

Blueprint Genetics
Classification: Uncertain significance. Last evaluated: 2024-10-28. Review status: criteria provided, single submitter. Criteria: ACMG Guidelines, 2015. Collection method: clinical testing. Allele origin: germline.

Labcorp Genetics (formerly Invitae), Labcorp
Classification: Uncertain significance for Mendelian susceptibility to mycobacterial diseases due to complete IL12RB1 deficiency. Last evaluated: 2022-02-03. Review status: criteria provided, single submitter. Criteria: Invitae Variant Classification Sherloc (09022015). Collection method: clinical testing. Allele origin: germline.
Comment: This sequence change replaces leucine, which is neutral and non-polar, with valine, which is neutral and non-polar, at codon 289 of the IL12RB1 protein (p.Leu289Val). This variant is not present in population databases (gnomAD no frequency). This variant has not been reported in the literature in individuals affected with IL12RB1-related conditions. ClinVar contains an entry for this variant (Variation ID: 840788). Algorithms developed to predict the effect of missense changes on protein structure and function are either unavailable or do not agree on the potential impact of this missense change (SIFT: "Deleterious"; PolyPhen-2: "Possibly Damaging"; Align-GVGD: "Class C0"). In summary, the available evidence is currently insufficient to determine the role of this variant in disease. Therefore, it has been classified as a Variant of Uncertain Significance.

NM_005535.3(IL12RB1):c.865C>G (p.Leu289Val)

Gene: IL12RB1 (interleukin 12 receptor subunit beta 1; minus strand). Cytogenetic location: 19p13.11.
Variant type: single nucleotide variant.
Coding change: c.865C>G on transcript NM_005535.3 (MANE Select); coding-DNA position 865, C replaced by G.
Protein change: p.Leu289Val; replaces leucine 289 with valine.
Molecular consequence: missense variant.
Genome position (GRCh38, 1-based): chr19:18,072,268, G>C on the plus strand (C>G on the coding strand, the complement: IL12RB1 is on the minus strand). VCF-style: chr19-18072268-G-C. GRCh37 (hg19) VCF-style: chr19-18183078-G-C.
Other names: c.865C>G, p.Leu289Val (NM_001290023.2, NM_153701.3); c.985C>G, p.Leu329Val (NM_001290024.2); short protein forms L289V, L329V.
Identifiers: ClinVar variation 840788 (VCV000840788.10), dbSNP rs1208670735, ClinGen allele CA404780321.
Genomic context (GRCh38, chr19:18,072,268, plus strand): 5'-GATAGGGCATCTTCCCCAGGTGCAGGGTCCTGGTGGCCTTGGCCTTACACGGGCAGGACA[G>C]CATGTGGAGCTGTAGTCGGTAAGTGACCTCCGTGCCAGGCGCCAGCCCTTGACAGCCTTC-3'
Protein context (NP_005526.1, residues 279-299): EVTYRLQLHM[Leu289Val]SCPCKAKATR